The following is an entry in ClinVar:

NM_020297.4(ABCC9):c.970C>T (p.Arg324Cys)

Gene: ABCC9 (ATP binding cassette subfamily C member 9; minus strand). Cytogenetic location: 12p12.1.
Variant type: single nucleotide variant.
Coding change: c.970C>T on transcript NM_020297.4 (MANE Select); coding-DNA position 970, C replaced by T.
Protein change: p.Arg324Cys; replaces arginine 324 with cysteine.
Molecular consequence: missense variant.
Genome position (GRCh38, 1-based): chr12:21,912,913, G>A on the plus strand (C>T on the coding strand, the complement: ABCC9 is on the minus strand). VCF-style: chr12-21912913-G-A. GRCh37 (hg19) VCF-style: chr12-22065847-G-A.
Other names: c.970C>T (NM_020297.3, NM_020297.2); c.970C>T, p.Arg324Cys (NM_001377273.1, NM_005691.4); c.106C>T, p.Arg36Cys (NM_001377274.1); short protein forms R324C, R36C.
Identifiers: ClinVar variation 282363 (VCV000282363.19), dbSNP rs779720018, ClinGen allele CA6481766.

ClinVar aggregate classification (germline): Uncertain significance. Review status: criteria provided, multiple submitters, no conflicts (2 of 4 stars). 5 submissions from 5 submitters: Uncertain significance (4). 1 of the submissions does not count toward it. Last evaluated 2025-11-09.

Conditions:
Cardiovascular phenotype. Identifiers: MedGen CN230736.
ABCC9-related disorder. Also called: ABCC9-related condition; ABCC9-related disorders.
Dilated cardiomyopathy 1O (CMD1O). Also called: CARDIOMYOPATHY, DILATED, WITH VENTRICULAR TACHYCARDIA. Identifiers: Orphanet 154, MedGen C1837839, MONDO:0012062, OMIM 608569.

Allele frequency attached by ClinVar (database versions not stated): ExAC 0.00001; gnomAD exomes 0.00001; gnomAD 0.00004; TOPMed 0.00005.
gnomAD v4.1: 15 of 1,613,306 alleles (0.00093%); highest among the groups gnomAD compares: African/African-American, 0.012%; no homozygotes.

Submissions (5):

Labcorp Genetics (formerly Invitae), Labcorp
Classification: Uncertain significance for Dilated cardiomyopathy 1O. Last evaluated: 2025-11-09. Review status: criteria provided, single submitter. Criteria: Invitae Variant Classification Sherloc (09022015). Collection method: clinical testing. Allele origin: germline.
Comment: This sequence change replaces arginine, which is basic and polar, with cysteine, which is neutral and slightly polar, at codon 324 of the ABCC9 protein (p.Arg324Cys). This variant is present in population databases (rs779720018, gnomAD 0.02%). This variant has not been reported in the literature in individuals affected with ABCC9-related conditions. ClinVar contains an entry for this variant (Variation ID: 282363). Invitae Evidence Modeling of protein sequence and biophysical properties (such as structural, functional, and spatial information, amino acid conservation, physicochemical variation, residue mobility, and thermodynamic stability) indicates that this missense variant is not expected to disrupt ABCC9 protein function with a negative predictive value of 95%. In summary, the available evidence is currently insufficient to determine the role of this variant in disease. Therefore, it has been classified as a Variant of Uncertain Significance.

GeneDx
Classification: Uncertain significance. Last evaluated: 2025-03-14. Review status: criteria provided, single submitter. Criteria: GeneDx Variant Classification Process June 2021. Collection method: clinical testing. Allele origin: germline. Affected: yes.
Comment: Has not been previously published as pathogenic or benign to our knowledge; Not observed at significant frequency in large population cohorts (gnomAD); In silico analysis indicates that this missense variant does not alter protein structure/function

Ambry Genetics
Classification: Uncertain significance for Cardiovascular phenotype. Last evaluated: 2023-06-01. Review status: criteria provided, single submitter. Criteria: Ambry Variant Classification Scheme 2023. Collection method: clinical testing. Allele origin: germline.
Comment: The p.R324C variant (also known as c.970C>T), located in coding exon 6 of the ABCC9 gene, results from a C to T substitution at nucleotide position 970. The arginine at codon 324 is replaced by cysteine, an amino acid with highly dissimilar properties. This amino acid position is not well conserved in available vertebrate species. In addition, the in silico prediction for this alteration is inconclusive. Since supporting evidence is limited at this time, the clinical significance of this alteration remains unclear.

Eurofins Ntd Llc (ga)
Classification: Uncertain significance. Last evaluated: 2015-08-28. Review status: criteria provided, single submitter. Criteria: EGL Classification Definitions 2015. Collection method: clinical testing. Allele origin: germline. Observed: 1 variant allele, 1 heterozygote.

PreventionGenetics, part of Exact Sciences
Classification: Uncertain significance for ABCC9-related condition. Last evaluated: 2024-04-25. Review status: no assertion criteria provided. Collection method: clinical testing. Allele origin: germline. Not counted in ClinVar's aggregate classification.
Comment: The ABCC9 c.970C>T variant is predicted to result in the amino acid substitution p.Arg324Cys. To our knowledge, this variant has not been reported in the literature. This variant is reported in 0.016% of alleles in individuals of African descent in gnomAD. At this time, the clinical significance of this variant is uncertain due to the absence of conclusive functional and genetic evidence.